The following is an entry in ClinVar:

NM_000038.6(APC):c.8280C>T (p.Thr2760=)

Gene: APC (APC regulator of Wnt signaling pathway; plus strand). Cytogenetic location: 5q22.2.
Variant type: single nucleotide variant.
Coding change: c.8280C>T on transcript NM_000038.6 (MANE Select); coding-DNA position 8280, C replaced by T.
Protein change: p.Thr2760=; no amino-acid change (threonine 2760 retained).
Molecular consequence: synonymous variant.
Genome position (GRCh38, 1-based): chr5:112,843,874, C>T. VCF-style: chr5-112843874-C-T. GRCh37 (hg19) VCF-style: chr5-112179571-C-T.
Other names: c.8280C>T, p.Thr2760= (NM_001127510.3, NM_001354895.2); c.8226C>T, p.Thr2742= (NM_001127511.3); c.8334C>T, p.Thr2778= (NM_001354896.2); c.8310C>T, p.Thr2770= (NM_001354897.2); c.8205C>T, p.Thr2735= (NM_001354898.2); c.8196C>T, p.Thr2732= (NM_001354899.2); c.8157C>T, p.Thr2719= (NM_001354900.2); c.8103C>T, p.Thr2701= (NM_001354901.2); and 5 more.
Identifiers: ClinVar variation 490375 (VCV000490375.17), dbSNP rs1554089045, ClinGen allele CA446211407.
Genomic context (GRCh38, chr5:112,843,874, plus strand): 5'-AGGACAAAATAATCCTGTCCCTGTATCAGAGACTAATGAAAGTTCTATAGTGGAACGTAC[C>T]CCATTCAGTTCTAGCAGCTCAAGCAAACACAGTTCACCTAGTGGGACTGTTGCTGCCAGA-3'
Protein context (NP_000029.2, residues 2750-2770): ETNESSIVER[Thr2760=]PFSSSSSSKH

ClinVar aggregate classification (germline): Benign/Likely benign. Review status: criteria provided, multiple submitters, no conflicts (2 of 4 stars). 4 submissions from 4 submitters: Benign (1); Likely benign (3). Last evaluated 2024-11-23.

Conditions:
Hereditary cancer-predisposing syndrome. Also called: Hereditary Cancer Syndrome; Neoplastic Syndromes, Hereditary; Tumor predisposition; Hereditary neoplastic syndrome. Identifiers: Orphanet 140162, MedGen C0027672, MeSH D009386, MONDO:0015356.
Familial adenomatous polyposis 1 (FAP1). Also called: POLYPOSIS, ADENOMATOUS INTESTINAL; FAMILIAL ADENOMATOUS POLYPOSIS 1, ATTENUATED. Identifiers: MedGen C2713442, MONDO:0021056, OMIM 175100. Disease mechanism: loss of function.

Submissions (4):

Ambry Genetics
Classification: Likely benign for Hereditary cancer-predisposing syndrome. Last evaluated: 2024-11-23. Review status: criteria provided, single submitter. Criteria: Ambry Variant Classification Scheme 2023. Collection method: clinical testing. Allele origin: germline.

Labcorp Genetics (formerly Invitae), Labcorp
Classification: Likely benign for Familial adenomatous polyposis 1. Last evaluated: 2024-05-31. Review status: criteria provided, single submitter. Criteria: Invitae Variant Classification Sherloc (09022015). Collection method: clinical testing. Allele origin: germline.

Myriad Genetics, Inc.
Classification: Benign for Familial adenomatous polyposis 1. Last evaluated: 2024-04-15. Review status: criteria provided, single submitter. Criteria: Myriad Autosomal Dominant, Autosomal Recessive and X-Linked Classification Criteria (2023). Collection method: clinical testing. Allele origin: unknown.
Comment: This variant is considered benign. This variant is a silent/synonymous amino acid change and it is not expected to impact splicing.

Color Diagnostics, LLC DBA Color Health
Classification: Likely benign for Hereditary cancer-predisposing syndrome. Last evaluated: 2016-12-19. Review status: criteria provided, single submitter. Criteria: ACMG Guidelines, 2015. Collection method: clinical testing. Allele origin: germline.